The following is an entry in ClinVar:

NM_001220.5(CAMK2B):c.1915del (p.Glu639fs)

Gene: CAMK2B (calcium/calmodulin dependent protein kinase II beta; minus strand). Cytogenetic location: 7p13.
Variant type: Deletion.
Coding change: c.1915del on transcript NM_001220.5 (MANE Select); coding-DNA position 1915, one base deleted (G; older notation c.1915delG).
Protein change: p.Glu639fs; shifts the reading frame from glutamic acid 639.
Molecular consequence: frameshift variant.
Genome position (GRCh38, 1-based): chr7:44,220,148, C deleted on the plus strand (G on the coding strand, the reverse complement: CAMK2B is on the minus strand); the first of 2 consecutive C bases (chr7:44,220,148-44,220,149); deleting either gives the same sequence. VCF-style (leftmost placement, unchanged base first): chr7-44220147-TC-T. GRCh37 (hg19) VCF-style: chr7-44259746-TC-T.
Other names: c.1543del, p.Glu515fs (NM_001293170.2, NM_172078.3); c.1471del, p.Glu491fs (NM_172079.3); c.1468del, p.Glu490fs (NM_172080.3); c.1426del, p.Glu476fs (NM_172081.3); c.1393del, p.Glu465fs (NM_172082.3); c.1354del, p.Glu452fs (NM_172083.3); c.1264del, p.Glu422fs (NM_172084.3); short protein forms E422fs, E452fs, E491fs, E515fs, E490fs, E639fs, E465fs, E476fs.
Identifiers: ClinVar variation 2745459 (VCV002745459.3), dbSNP rs2484757671, ClinGen allele CA2697557253.

ClinVar aggregate classification (germline): Uncertain significance (1 of 4 stars; one submission).

Submission:

Labcorp Genetics (formerly Invitae), Labcorp
Classification: Uncertain significance. Last evaluated: 2023-07-20. Review status: criteria provided, single submitter. Criteria: Invitae Variant Classification Sherloc (09022015). Collection method: clinical testing. Allele origin: germline.
Comment: This sequence change results in a frameshift in the CAMK2B gene (p.Glu639Argfs*103). While this is not anticipated to result in nonsense mediated decay, it is expected to disrupt the last 28 amino acid(s) of the CAMK2B protein and extend the protein by 74 additional amino acid residues. This variant is not present in population databases (gnomAD no frequency). This variant has not been reported in the literature in individuals affected with CAMK2B-related conditions. In summary, the available evidence is currently insufficient to determine the role of this variant in disease. Therefore, it has been classified as a Variant of Uncertain Significance.